The following is an entry in ClinVar:

ClinVar aggregate classification (germline): Uncertain significance (1 of 4 stars; one submission).

Conditions:
Wilson disease (WND). Also called: Wilson's disease. Identifiers: Orphanet 905, MedGen C0019202, MONDO:0010200, OMIM 277900. Disease mechanism: loss of function.

gnomAD v4.1: 24 of 1,613,800 alleles (0.0015%); highest among the groups gnomAD compares: South Asian, 0.024%; no homozygotes.

Submission:

Dr. Moinak Lab, Sanjay Gandhi Postgraduate Institute of Medical Sciences
Classification: Uncertain significance for Wilson disease. Last evaluated: 2024-03-20. Review status: criteria provided, single submitter. Criteria: ACMG Guidelines, 2015. Collection method: clinical testing. Allele origin: germline. Inheritance: Autosomal recessive inheritance. Affected: yes. Observed: 1 variant allele, 1 homozygote.
Comment: ATP7B: c.1124A>G is a novel variant involving a single nucleotide substitution from A to G in exon 2. This results in a non-synonymous change at codon 375, replacing the amino acid Histidine with Arginine acid (p.His375Arg)

Literature cited by the submitters: PubMed 20301685.

NM_000053.4(ATP7B):c.1124A>G (p.His375Arg)

Gene: ATP7B (ATPase copper transporting beta; minus strand). Cytogenetic location: 13q14.3.
Variant type: single nucleotide variant.
Coding change: c.1124A>G on transcript NM_000053.4 (MANE Select); coding-DNA position 1124, A replaced by G.
Protein change: p.His375Arg; replaces histidine 375 with arginine.
Molecular consequence: missense variant. On other transcripts: intron variant (2).
Genome position (GRCh38, 1-based): chr13:51,974,096, T>C on the plus strand (A>G on the coding strand, the complement: ATP7B is on the minus strand). VCF-style: chr13-51974096-T-C. GRCh37 (hg19) VCF-style: chr13-52548232-T-C.
Other names: c.1124A>G, p.His375Arg (NM_001406524.1, NM_001406525.1, NM_001406526.1 and 29 more transcripts); c.1028A>G, p.His343Arg (NM_001406530.1, NM_001406517.1, NM_001406518.1 and 3 more transcripts); c.803-12A>G (NM_001243182.2); c.707-12A>G (NM_001406539.1); short protein forms H343R, H375R.
Identifiers: ClinVar variation 4528909 (VCV004528909.1).